The following is an entry in ClinVar:

NM_138387.4(G6PC3):c.1019C>T (p.Ala340Val)

Gene: G6PC3 (glucose-6-phosphatase catalytic subunit 3; plus strand). Cytogenetic location: 17q21.31.
Variant type: single nucleotide variant.
Coding change: c.1019C>T on transcript NM_138387.4 (MANE Select); coding-DNA position 1019, C replaced by T.
Protein change: p.Ala340Val; replaces alanine 340 with valine.
Molecular consequence: missense variant. On other transcripts: 3 prime UTR variant (1).
Genome position (GRCh38, 1-based): chr17:44,076,021, C>T. VCF-style: chr17-44076021-C-T. GRCh37 (hg19) VCF-style: chr17-42153389-C-T.
Other names: c.*312C>T (NM_001319945.2); c.674C>T, p.Ala225Val (NM_001384165.1, NM_001384166.1, NM_001384167.1 and 1 more transcripts); short protein forms A225V, A340V.
Identifiers: ClinVar variation 4027622 (VCV004027622.1).

ClinVar aggregate classification (germline): Uncertain significance (1 of 4 stars; one submission).

Conditions:
Inborn genetic diseases. Identifiers: MedGen C0950123, MeSH D030342.

Submission:

Ambry Genetics
Classification: Uncertain significance for Inborn genetic diseases. Last evaluated: 2025-06-06. Review status: criteria provided, single submitter. Criteria: Ambry Variant Classification Scheme 2023. Collection method: clinical testing. Allele origin: germline.
Comment: The p.A340V variant (also known as c.1019C>T), located in coding exon 6 of the G6PC3 gene, results from a C to T substitution at nucleotide position 1019. The alanine at codon 340 is replaced by valine, an amino acid with similar properties. This amino acid position is conserved. In addition, this alteration is predicted to be tolerated by in silico analysis. Based on the available evidence, the clinical significance of this variant remains unclear.